The following is an entry in ClinVar:

NM_181882.3(PRX):c.1886T>C (p.Met629Thr)

Gene: PRX (periaxin; minus strand). Cytogenetic location: 19q13.2.
Variant type: single nucleotide variant.
Coding change: c.1886T>C on transcript NM_181882.3 (MANE Select); coding-DNA position 1886, T replaced by C.
Protein change: p.Met629Thr; replaces methionine 629 with threonine.
Molecular consequence: missense variant. On other transcripts: 3 prime UTR variant (1).
Genome position (GRCh38, 1-based): chr19:40,396,466, A>G on the plus strand (T>C on the coding strand, the complement: PRX is on the minus strand). VCF-style: chr19-40396466-A-G. GRCh37 (hg19) VCF-style: chr19-40902373-A-G.
Other names: c.2171T>C, p.Met724Thr (NM_001411127.1); c.*2091T>C (NM_020956.2); short protein forms M724T, M629T.
Identifiers: ClinVar variation 2477538 (VCV002477538.4), dbSNP rs374384185, ClinGen allele CA9444178.

ClinVar aggregate classification (germline): Uncertain significance. Review status: criteria provided, multiple submitters, no conflicts (2 of 4 stars). 2 submissions from 2 submitters: Uncertain significance (2). Last evaluated 2025-07-29.

Conditions:
Inborn genetic diseases. Identifiers: MedGen C0950123, MeSH D030342.
PRX-related disorder. Also called: PRX-related condition; PRX-Related Disorders.

Allele frequency attached by ClinVar (database versions not stated): ExAC 0.00001; gnomAD exomes 0.00001; gnomAD 0.00003; TOPMed 0.00004; ESP Exome Variant Server 0.00008.
gnomAD v4.1: 15 of 1,611,046 alleles (0.00093%); highest among the groups gnomAD compares: African/African-American, 0.018%; no homozygotes.

Submissions (2):

PreventionGenetics, part of Exact Sciences
Classification: Uncertain significance for PRX-related condition. Last evaluated: 2025-07-29. Review status: criteria provided, single submitter. Criteria: ACMG Guidelines, 2015. Collection method: clinical testing. Allele origin: germline.
Comment: The PRX c.1886T>C variant is predicted to result in the amino acid substitution p.Met629Thr. To our knowledge, this variant has not been reported in the literature. This variant is reported in 0.012% of alleles in individuals of African descent in gnomAD. At this time, the clinical significance of this variant is uncertain due to the absence of conclusive functional and genetic evidence.

Ambry Genetics
Classification: Uncertain significance for Inborn genetic diseases. Last evaluated: 2025-02-08. Review status: criteria provided, single submitter. Criteria: Ambry Variant Classification Scheme 2023. Collection method: clinical testing. Allele origin: germline.